The following is an entry in ClinVar:

NM_001382817.3(AGT):c.-30-3484G>A

Gene: AGT (angiotensinogen; minus strand). Cytogenetic location: 1q42.2.
Variant type: single nucleotide variant.
Coding change: c.-30-3484G>A on transcript NM_001382817.3; 3484 bases into the intron before 30 bases upstream of the start codon, G replaced by A.
Molecular consequence: intron variant.
Genome position (GRCh38, 1-based): chr1:230,714,337, C>T on the plus strand (G>A on the coding strand, the complement: AGT is on the minus strand). VCF-style: chr1-230714337-C-T. GRCh37 (hg19) VCF-style: chr1-230850083-C-T.
Identifiers: ClinVar variation 296097 (VCV000296097.9), dbSNP rs5049, ClinGen allele CA10609282.
Genomic context (GRCh38, chr1:230,714,337, plus strand): 5'-GGACCTCTTCCAGGAAGTCTTAGTGATCGATGCAGAGTTTCACTGCTGAACAGAGTGAGC[C>T]GGTGCAGGGTCGAGTTACACATTTACCGAAGTTTGCAGGAGTCGGGGCCAAGGTTCCCAG-3'

ClinVar aggregate classification (germline): Benign. Review status: criteria provided, multiple submitters, no conflicts (2 of 4 stars). 2 submissions from 2 submitters: Benign (2). Last evaluated 2019-04-18.

Allele frequency attached by ClinVar (database versions not stated): gnomAD exomes 0.14925; gnomAD 0.16187 and 0.16122; TOPMed 0.16290; 1000 Genomes Project 30x 0.18598; 1000 Genomes Project 0.18950.
gnomAD v4.1: 24,510 of 152,278 alleles (16%); highest among the groups gnomAD compares: African/African-American, 27%; 2,314 homozygotes.

Submissions (2):

GeneDx
Classification: Benign. Last evaluated: 2019-04-18. Review status: criteria provided, single submitter. Criteria: GeneDx Variant Classification Process June 2021. Collection method: clinical testing. Allele origin: germline. Affected: yes.
Comment: This variant is associated with the following publications: (PMID: 14597849, 12145290)

Breakthrough Genomics
Classification: Benign. Review status: criteria provided, single submitter. Criteria: ACMG Guidelines, 2015. Collection method: not provided. Allele origin: germline. Inheritance: Multifactorial inheritance. Affected: yes.